The following is an entry in ClinVar:

NM_001292063.2(OTOG):c.1397T>G (p.Phe466Cys)

Gene: OTOG (otogelin; plus strand). Cytogenetic location: 11p15.1.
Variant type: single nucleotide variant.
Coding change: c.1397T>G on transcript NM_001292063.2 (MANE Select); coding-DNA position 1397, T replaced by G.
Protein change: p.Phe466Cys; replaces phenylalanine 466 with cysteine.
Molecular consequence: missense variant.
Genome position (GRCh38, 1-based): chr11:17,560,763, T>G. VCF-style: chr11-17560763-T-G. GRCh37 (hg19) VCF-style: chr11-17582310-T-G.
Other names: c.1433T>G, p.Phe478Cys (NM_001277269.2); short protein forms F478C, F466C.
Identifiers: ClinVar variation 227765 (VCV000227765.20), dbSNP rs147355325, ClinGen allele CA5905487.
Genomic context (GRCh38, chr11:17,560,763, plus strand): 5'-CTCTAGGGCTCATCTTCGAGGATGGGGGCTGCGTGGCACCAGCTGAGTGTCCCTGTGAGT[T>G]TCACGGGACTCTGTACCCACCTGGCTCTGTGGTGAAGGAAGACTGCAATACTTGGTCTGT-3'
Protein context (NP_001278992.1, residues 456-476): CVAPAECPCE[Phe466Cys]HGTLYPPGSV

ClinVar aggregate classification (germline): Benign/Likely benign. Review status: criteria provided, multiple submitters, no conflicts (2 of 4 stars). 6 submissions from 6 submitters: Benign (2); Likely benign (3). 1 of the submissions does not count toward it. Last evaluated 2026-01-08.

Conditions:
OTOG-related disorder. Also called: OTOG-related condition.

Allele frequency attached by ClinVar (database versions not stated): gnomAD exomes 0.00018 and 0.00039; ExAC 0.00036; 1000 Genomes Project 0.00200; gnomAD 0.00213 and 0.00232; TOPMed 0.00249; 1000 Genomes Project 30x 0.00250.
gnomAD v4.1: 596 of 1,550,706 alleles (0.038%); highest among the groups gnomAD compares: African/African-American, 0.65%; 3 homozygotes.

Submissions (6):

Labcorp Genetics (formerly Invitae), Labcorp
Classification: Benign. Last evaluated: 2026-01-08. Review status: criteria provided, single submitter. Criteria: Invitae Variant Classification Sherloc (09022015). Collection method: clinical testing. Allele origin: germline.

Blueprint Genetics
Classification: Likely benign. Last evaluated: 2024-11-25. Review status: criteria provided, single submitter. Criteria: ACMG Guidelines, 2015. Collection method: clinical testing. Allele origin: germline.

GeneDx
Classification: Likely benign. Last evaluated: 2020-02-11. Review status: criteria provided, single submitter. Criteria: GeneDx Variant Classification Process June 2021. Collection method: clinical testing. Allele origin: germline. Affected: yes.

Laboratory for Molecular Medicine, Mass General Brigham Personalized Medicine
Classification: Benign. Last evaluated: 2017-06-22. Review status: criteria provided, single submitter. Criteria: LMM Criteria. Collection method: clinical testing. Allele origin: germline. Observed: 5 variant alleles.
Comment: p.Phe478Cys in exon 12 of OTOG: This variant is not expected to have clinical si gnificance because it has been identified in 0.7% (108/15306) of African chromos omes by the Genome Aggregation Database (gnomAD, g; dbSNP rs147355325).

Breakthrough Genomics
Classification: Likely benign. Review status: criteria provided, single submitter. Criteria: ACMG Guidelines, 2015. Collection method: not provided. Allele origin: germline. Inheritance: Autosomal recessive inheritance. Affected: yes.

PreventionGenetics, part of Exact Sciences
Classification: Benign for OTOG-related condition. Last evaluated: 2019-07-15. Review status: no assertion criteria provided. Collection method: clinical testing. Allele origin: germline. Not counted in ClinVar's aggregate classification.
Comment: This variant is classified as benign based on ACMG/AMP sequence variant interpretation guidelines (Richards et al. 2015 PMID: 25741868, with internal and published modifications).